The following is an entry in ClinVar:

ClinVar aggregate classification (germline): Uncertain significance (1 of 4 stars; one submission).

Conditions:
Early-infantile DEE. Also called: Early infantile epileptic encephalopathy; Ohtahara syndrome; Early infantile epileptic encephalopathy with suppression bursts. Identifiers: Orphanet 1934, MedGen C0393706, MONDO:0800491.

Allele frequency attached by ClinVar (database versions not stated): gnomAD 0.00001 and 0.00002; TOPMed 0.00001; gnomAD exomes 0.00002; ExAC 0.00003; ESP Exome Variant Server 0.00015.
gnomAD v4.1: 36 of 1,602,888 alleles (0.0022%); highest among the groups gnomAD compares: Non-Finnish European, 0.0028%; no homozygotes.

Submission:

Labcorp Genetics (formerly Invitae), Labcorp
Classification: Uncertain significance for Early-infantile DEE. Last evaluated: 2025-10-13. Review status: criteria provided, single submitter. Criteria: Invitae Variant Classification Sherloc (09022015). Collection method: clinical testing. Allele origin: germline.
Comment: This sequence change replaces proline, which is neutral and non-polar, with serine, which is neutral and polar, at codon 548 of the ARHGEF15 protein (p.Pro548Ser). The frequency data for this variant in the population databases is considered unreliable, as metrics indicate poor data quality at this position in the gnomAD database. This variant has not been reported in the literature in individuals affected with ARHGEF15-related conditions. ClinVar contains an entry for this variant (Variation ID: 1450326). An algorithm developed to predict the effect of missense changes on protein structure and function (PolyPhen-2) suggests that this variant is likely to be disruptive. In summary, the available evidence is currently insufficient to determine the role of this variant in disease. Therefore, it has been classified as a Variant of Uncertain Significance.

NM_173728.4(ARHGEF15):c.1642C>T (p.Pro548Ser)

Gene: ARHGEF15 (Rho guanine nucleotide exchange factor 15; plus strand). Cytogenetic location: 17p13.1.
Variant type: single nucleotide variant.
Coding change: c.1642C>T on transcript NM_173728.4 (MANE Select); coding-DNA position 1642, C replaced by T.
Protein change: p.Pro548Ser; replaces proline 548 with serine.
Molecular consequence: missense variant.
Genome position (GRCh38, 1-based): chr17:8,316,086, C>T. VCF-style: chr17-8316086-C-T. GRCh37 (hg19) VCF-style: chr17-8219404-C-T.
Other names: c.1642C>T, p.Pro548Ser (NM_025014.2); short protein forms P548S.
Identifiers: ClinVar variation 1450326 (VCV001450326.7), dbSNP rs367836441, ClinGen allele CA8375237.